The following is an entry in ClinVar:

NM_032888.4(COL27A1):c.211del (p.Gln71fs)

Gene: COL27A1 (collagen type XXVII alpha 1 chain; plus strand). Cytogenetic location: 9q32.
Variant type: Deletion.
Coding change: c.211del on transcript NM_032888.4 (MANE Select); coding-DNA position 211, one base deleted (C; older notation c.211delC).
Protein change: p.Gln71fs; shifts the reading frame from glutamine 71.
Molecular consequence: frameshift variant.
Genome position (GRCh38, 1-based): chr9:114,167,766, C deleted; the last of 2 consecutive C bases (chr9:114,167,765-114,167,766); deleting either gives the same sequence. VCF-style (leftmost placement, unchanged base first): chr9-114167764-TC-T. GRCh37 (hg19) VCF-style: chr9-116930044-TC-T.
Other names: short protein forms Q71fs.
Identifiers: ClinVar variation 1805797 (VCV001805797.1), dbSNP rs2490547878, ClinGen allele CA923726158.

ClinVar aggregate classification (germline): Likely pathogenic (1 of 4 stars; one submission).

Conditions:
Steel syndrome (STLS). Identifiers: Orphanet 438117, MedGen C3554594, MONDO:0014061, OMIM 615155.

Submission:

Victorian Clinical Genetics Services, Murdoch Childrens Research Institute
Classification: Likely pathogenic for Steel syndrome. Last evaluated: 2022-09-02. Review status: criteria provided, single submitter. Criteria: ACMG Guidelines, 2015. Collection method: clinical testing. Allele origin: germline. Inheritance: Autosomal recessive inheritance.
Comment: Based on the classification scheme VCGS_Germline_v1.1.1, this variant is classified as Likely pathogenic. Following criteria are met: 0105 - The mechanism of disease for this gene is not clearly established. (N) 0106 - This gene is known to be associated with autosomal recessive disease. (N) 0201 - Variant is predicted to cause nonsense-mediated decay (NMD) and loss of protein (Exon 3 of 61). (P) 0251 - Variant is heterozygous. (N) 0301 - Variant is absent from gnomAD. (P) 0507 - Identified variant type is not compatible with in-silico predictions of pathogenicity. (N) 0703 - Comparable variants have moderate previous evidence for pathogenicity (ClinVar; Kotabagi, S. et al. (2017)). (P) 0807 - Variant has not previously been reported in a clinical context. (N) 0905 - No segregation evidence has been identified for this variant. (N) 1007 - No published functional evidence has been identified for this variant. (N)